The following is an entry in ClinVar:

NM_001145809.2(MYH14):c.3176G>A (p.Arg1059Gln)

Gene: MYH14 (myosin heavy chain 14; plus strand). Cytogenetic location: 19q13.33.
Variant type: single nucleotide variant.
Coding change: c.3176G>A on transcript NM_001145809.2 (MANE Select); coding-DNA position 3176, G replaced by A.
Protein change: p.Arg1059Gln; replaces arginine 1059 with glutamine.
Molecular consequence: missense variant.
Genome position (GRCh38, 1-based): chr19:50,271,853, G>A. VCF-style: chr19-50271853-G-A. GRCh37 (hg19) VCF-style: chr19-50775110-G-A.
Other names: c.3077G>A, p.Arg1026Gln (NM_001077186.2); c.3053G>A, p.Arg1018Gln (NM_024729.4); short protein forms R1018Q, R1026Q, R1059Q.
Identifiers: ClinVar variation 1304463 (VCV001304463.2), dbSNP rs780006064, ClinGen allele CA9593145.

ClinVar aggregate classification (germline): Uncertain significance (1 of 4 stars; one submission).

Allele frequency attached by ClinVar (database versions not stated): gnomAD 0.00001; gnomAD exomes 0.00001; ExAC 0.00002; TOPMed 0.00002.
gnomAD v4.1: 23 of 1,613,072 alleles (0.0014%); highest among the groups gnomAD compares: East Asian, 0.0067%; no homozygotes.

Submission:

GeneDx
Classification: Uncertain significance. Last evaluated: 2019-03-26. Review status: criteria provided, single submitter. Criteria: GeneDx Variant Classification Process June 2021. Collection method: clinical testing. Allele origin: germline. Affected: yes.
Comment: In silico analysis, which includes protein predictors and evolutionary conservation, supports that this variant does not alter protein structure/function; Has not been previously published as pathogenic or benign to our knowledge